The following is an entry in ClinVar:

NM_001330260.2(SCN8A):c.4144G>A (p.Gly1382Arg)

Gene: SCN8A (sodium voltage-gated channel alpha subunit 8; plus strand). Cytogenetic location: 12q13.13.
Variant type: single nucleotide variant.
Coding change: c.4144G>A on transcript NM_001330260.2 (MANE Select); coding-DNA position 4144, G replaced by A.
Protein change: p.Gly1382Arg; replaces glycine 1382 with arginine.
Molecular consequence: missense variant.
Genome position (GRCh38, 1-based): chr12:51,786,743, G>A. VCF-style: chr12-51786743-G-A. GRCh37 (hg19) VCF-style: chr12-52180527-G-A.
Other names: c.4021G>A, p.Gly1341Arg (NM_001177984.3, NM_001369788.1); c.4144G>A, p.Gly1382Arg (NM_014191.4); short protein forms G1341R, G1382R.
Identifiers: ClinVar variation 4885728 (VCV004885728.2).

ClinVar aggregate classification (germline): Uncertain significance (1 of 4 stars; one submission).

Submission:

Dasa
Classification: Uncertain significance. Last evaluated: 2026-03-19. Review status: criteria provided, single submitter. Criteria: DASA Assertion Criteria. Collection method: clinical testing. Allele origin: germline.
Comment: NM_001330260.2(SCN8A):c.4144G>A (p.Gly1382Arg) is a missense variant that results in the substitution of glycine with arginine. The affected residue or protein region has prior evidence supporting clinical relevance. This variant is absent from population databases. The currently available literature and clinical evidence are not sufficient to establish a definitive association between this variant and the reported condition. Therefore, this variant is classified as a variant of uncertain significance.